The following is an entry in ClinVar:

ClinVar aggregate classification (germline): Likely benign. Review status: criteria provided, multiple submitters, no conflicts (2 of 4 stars). 2 submissions from 2 submitters: Likely benign (2). Last evaluated 2022-06-08.

Allele frequency attached by ClinVar (database versions not stated): gnomAD exomes 0.00001; ExAC 0.00002; TOPMed 0.00008; gnomAD 0.00009; 1000 Genomes Project 30x 0.00016; 1000 Genomes Project 0.00020.
gnomAD v4.1: 38 of 1,613,866 alleles (0.0024%); highest among the groups gnomAD compares: Middle Eastern, 0.099%; 1 homozygote.

Submissions (2):

Blueprint Genetics
Classification: Likely benign. Last evaluated: 2022-06-08. Review status: criteria provided, single submitter. Criteria: ACMG Guidelines, 2015. Collection method: clinical testing. Allele origin: germline.

CeGaT Center for Human Genetics Tuebingen
Classification: Likely benign. Last evaluated: 2022-04-01. Review status: criteria provided, single submitter. Criteria: CeGaT Center For Human Genetics Tuebingen Variant Classification Criteria Version 2. Collection method: clinical testing. Allele origin: germline. Affected: yes. Observed: 1 variant allele.
Comment: VWF: BP4, BP7

NM_000552.5(VWF):c.4431T>C (p.Thr1477=)

Gene: VWF (von Willebrand factor; minus strand). Cytogenetic location: 12p13.31.
Variant type: single nucleotide variant.
Coding change: c.4431T>C on transcript NM_000552.5 (MANE Select); coding-DNA position 4431, T replaced by C.
Protein change: p.Thr1477=; no amino-acid change (threonine 1477 retained).
Molecular consequence: synonymous variant.
Genome position (GRCh38, 1-based): chr12:6,018,987, A>G on the plus strand (T>C on the coding strand, the complement: VWF is on the minus strand). VCF-style: chr12-6018987-A-G. GRCh37 (hg19) VCF-style: chr12-6128153-A-G.
Identifiers: ClinVar variation 2642605 (VCV002642605.25), dbSNP rs531665985, ClinGen allele CA6402532.
Genomic context (GRCh38, chr12:6,018,987, plus strand): 5'-CAGAACCATGGAGTTCCTCTTGGGCCCCAGGGTCGAAACCCCCAAGAGCCCCGGGCCCAC[A>G]GTGACTTGTGCCATGTCGGGGGGCAGAGTAGGAGGAGGGGCTTCAGGGGCAAGGTCACAG-3'
Protein context (NP_000543.3, residues 1467-1487): PTLPPDMAQV[Thr1477=]VGPGLLGVST